The following is an entry in ClinVar:

ClinVar aggregate classification (germline): Likely benign. Review status: criteria provided, multiple submitters, no conflicts (2 of 4 stars). 3 submissions from 3 submitters: Likely benign (3). Last evaluated 2025-12-09.

Conditions:
Developmental and epileptic encephalopathy, 1 (DEE1). Also called: Epileptic encephalopathy, early infantile, 1; X-linked infantile spasms; West's syndrome; Tonic spasms with clustering, arrest of psychomotor development and hypsarrhythmia on EEG; X-Linked Infantile Spasm Syndrome; OHTAHARA SYNDROME, X-LINKED. Identifiers: MedGen C3463992, MONDO:0010632, OMIM 308350. Disease mechanism: loss of function.
Autosomal dominant nonsyndromic hearing loss 65. Also called: TBC1D24-Related Autosomal Dominant Nonsyndromic Hearing Loss (DFNA); Deafness, autosomal dominant 65. Identifiers: Orphanet 90635, MedGen C3892048, MONDO:0014470, OMIM 616044.

Allele frequency attached by ClinVar (database versions not stated): gnomAD 0.00003 and 0.00004; TOPMed 0.00012; ExAC 0.00017; gnomAD exomes 0.00003 and 0.00017.
gnomAD v4.1: 48 of 1,592,780 alleles (0.003%); highest among the groups gnomAD compares: Admixed American, 0.079%; no homozygotes.

Submissions (3):

Labcorp Genetics (formerly Invitae), Labcorp
Classification: Likely benign for Developmental and epileptic encephalopathy, 1; Autosomal dominant nonsyndromic hearing loss 65. Last evaluated: 2025-12-09. Review status: criteria provided, single submitter. Criteria: Invitae Variant Classification Sherloc (09022015). Collection method: clinical testing. Allele origin: germline.

GeneDx
Classification: Likely benign. Last evaluated: 2016-12-09. Review status: criteria provided, single submitter. Criteria: GeneDx Variant Classification (06012015). Collection method: clinical testing. Allele origin: germline. Affected: yes.
Comment: This variant is considered likely benign or benign based on one or more of the following criteria: it is a conservative change, it occurs at a poorly conserved position in the protein, it is predicted to be benign by multiple in silico algorithms, and/or has population frequency not consistent with disease.

Laboratory for Molecular Medicine, Mass General Brigham Personalized Medicine
Classification: Likely benign. Last evaluated: 2016-02-28. Review status: criteria provided, single submitter. Criteria: LMM Criteria. Collection method: clinical testing. Allele origin: germline. Observed: 1 variant allele.
Comment: c.1142+14G>A in intron 4 of TBC1D24: This variant is not expected to have clinic al significance because it is not located within the splice consensus sequence a nd computational tools do not suggest an impact to splicing. It has been identi fied in 0.22% (10/4582) of Latino chromosomes by the Exome Aggregation Consortiu m (ExAC; dbSNP rs745904419).

NM_001199107.2(TBC1D24):c.1142+14G>A

Gene: TBC1D24 (TBC1 domain family member 24; plus strand). Cytogenetic location: 16p13.3.
Variant type: single nucleotide variant.
Coding change: c.1142+14G>A on transcript NM_001199107.2 (MANE Select); 14 bases into the intron after coding-DNA position 1142, G replaced by A.
Molecular consequence: intron variant.
Genome position (GRCh38, 1-based): chr16:2,498,410, G>A. VCF-style: chr16-2498410-G-A. GRCh37 (hg19) VCF-style: chr16-2548411-G-A.
Other names: c.1124+14G>A (NM_020705.3).
Identifiers: ClinVar variation 227976 (VCV000227976.13), dbSNP rs745904419, ClinGen allele CA7844158.